The following is an entry in ClinVar:

NM_015047.3(EMC1):c.245C>T (p.Thr82Met)

Gene: EMC1 (ER membrane protein complex subunit 1; minus strand). Cytogenetic location: 1p36.13.
Variant type: single nucleotide variant.
Coding change: c.245C>T on transcript NM_015047.3 (MANE Select); coding-DNA position 245, C replaced by T.
Protein change: p.Thr82Met; replaces threonine 82 with methionine.
Molecular consequence: missense variant. On other transcripts: intron variant (1).
Genome position (GRCh38, 1-based): chr1:19,243,991, G>A on the plus strand (C>T on the coding strand, the complement: EMC1 is on the minus strand). VCF-style: chr1-19243991-G-A. GRCh37 (hg19) VCF-style: chr1-19570485-G-A.
Other names: c.245C>T, p.Thr82Met (NM_001271427.2, NM_001271428.2); c.221-284C>T (NM_001271429.2); short protein forms T82M.
Identifiers: ClinVar variation 219100 (VCV000219100.26), dbSNP rs869320625, ClinGen allele CA358733.
Genomic context (GRCh38, chr1:19,243,991, plus strand): 5'-ACGGGAGGACTCTGCTTACCCTGTCCGTGCAGCAGCATGGCATCCACAGCCCCTTCTGCC[G>A]TGCCCTTGTCAACATGGCGCCACACTGAGAGACATGAAAGTTAGACATTACTATGAACAA-3'
Protein context (NP_055862.1, residues 72-92): EILWRHVDKG[Thr82Met]AEGAVDAMLL

ClinVar aggregate classification (germline): Pathogenic/Likely pathogenic. Review status: criteria provided, multiple submitters, no conflicts (2 of 4 stars). 10 submissions from 10 submitters: Pathogenic (2); Likely pathogenic (6). 2 of the submissions do not count toward it. Last evaluated 2025-12-14.

Conditions:
Inborn genetic diseases. Identifiers: MedGen C0950123, MeSH D030342.
EMC1-related disorder. Also called: EMC1-related condition.
Cerebellar atrophy, visual impairment, and psychomotor retardation;. Also called: Cerebellar atrophy, visual impairment, and psychomotor retardation. Identifiers: MedGen C4225172, MONDO:0014811, OMIM 616875.

Allele frequency attached by ClinVar (database versions not stated): gnomAD exomes 0.00002.

Submissions (10):

GeneDx
Classification: Pathogenic. Last evaluated: 2025-12-14. Review status: criteria provided, single submitter. Criteria: GeneDx Variant Classification Process June 2021. Collection method: clinical testing. Allele origin: germline. Affected: yes.
Comment: Published functional studies demonstrate p.(T82M) mRNA did not significantly restore SOX10 expression, a measure of EMC1 function, and significantly reduced motility in a Xenopus model (PMID: 31904590); Not observed at significant frequency in large population cohorts (gnomAD); In silico analysis suggests that this missense variant does not alter protein structure/function; This variant is associated with the following publications: (PMID: 29271071, 26942288, 34426522, 35234901, 32092440, Peer-Zada2021[casereport], 30826214, 37098815, 33236988, 30577886, 31904590, 38784058, 38161285)

Variantyx, Inc.
Classification: Likely pathogenic for Cerebellar atrophy, visual impairment, and psychomotor retardation;. Last evaluated: 2025-12-04. Review status: criteria provided, single submitter. Criteria: Variantyx Assertion Criteria 2022. Collection method: clinical testing. Allele origin: germline. Inheritance: Autosomal recessive inheritance.
Comment: This is a nonsynonymous variant in the EMC1 gene (OMIM:16846). Pathogenic variants in this gene have been associated with autosomal recessive cerebellar atrophy, visual impairment, and psychomotor delay. This variant has been reported in the homozygous or compound heterozygous state in several unrelated affected individuals (PMID: 30577886, 34426522) (PM3). This variant has also been reported in the homozygous state in multiple affected individuals from a consanguineous family (PMID: 26942288). Functional studies have shown that this variant alters EMC1 protein function (PMID: 33236988) (PS3), while computational algorithms predict no functional impact for this variant (REVEL score: 0.148) (BP4). This variant has a 0.0034% maximum allele frequency in non-founder control populations (PM2). Based on the current evidence, this variant is classified as likely pathogenic for autosomal recessive cerebellar atrophy, visual impairment, and psychomotor delay.

Labcorp Genetics (formerly Invitae), Labcorp
Classification: Pathogenic. Last evaluated: 2025-04-23. Review status: criteria provided, single submitter. Criteria: Invitae Variant Classification Sherloc (09022015). Collection method: clinical testing. Allele origin: germline.
Comment: This sequence change replaces threonine, which is neutral and polar, with methionine, which is neutral and non-polar, at codon 82 of the EMC1 protein (p.Thr82Met). This variant is present in population databases (no rsID available, gnomAD 0.003%). This missense change has been observed in individual(s) with autosomal recessive EMC1-related disorders (PMID: 26942288; external communication). In at least one individual the data is consistent with being in trans (on the opposite chromosome) from a pathogenic variant. It has also been observed to segregate with disease in related individuals. ClinVar contains an entry for this variant (Variation ID: 219100). An algorithm developed to predict the effect of missense changes on protein structure and function (PolyPhen-2) suggests that this variant is likely to be disruptive. For these reasons, this variant has been classified as Pathogenic.

Genomic Research Center, Shahid Beheshti University of Medical Sciences
Classification: Likely pathogenic for Cerebellar atrophy, visual impairment, and psychomotor retardation;. Last evaluated: 2024-06-09. Review status: criteria provided, single submitter. Criteria: ACMG Guidelines, 2015. Collection method: clinical testing. Allele origin: unknown. Affected: yes.

Blueprint Genetics
Classification: Likely pathogenic for EMC1-related disorders. Last evaluated: 2024-05-10. Review status: criteria provided, single submitter. Criteria: ACMG Guidelines, 2015. Collection method: clinical testing. Allele origin: germline. Affected: yes. Observed: 4 variant alleles.

Women's Health and Genetics/Laboratory Corporation of America, LabCorp
Classification: Likely pathogenic for Cerebellar atrophy, visual impairment, and psychomotor retardation;. Last evaluated: 2022-01-06. Review status: criteria provided, single submitter. Criteria: LabCorp Variant Classification Summary - May 2015. Collection method: clinical testing. Allele origin: germline.
Comment: Variant summary: EMC1 (KIAA0090) c.245C>T (p.Thr82Met) results in a non-conservative amino acid change located in the Pyrrolo-quinoline quinone repeat (IPR002372) of the encoded protein sequence. Three of five in-silico tools predict a damaging effect of the variant on protein function. The variant allele was found at a frequency of 1.6e-05 in 251362 control chromosomes (gnomAD). c.245C>T has been reported in the literature in at least 4 homozygous individuals affected with Cerebellar Atrophy, Visual Impairment, And Psychomotor Retardation (Harel_2016, Baker_2019). Three of these individuals were part of the same family where the variant was found to co-segregate with disease (Harel_2016). These data indicate that the variant is likely to be associated with disease. A functional study demonstrated the variant was not able to restore sox10 expression and tadpole movement in emc1-depleted Xenopus embryos (authors assayed the expression of sox10 as a marker of effects on neural crest cells and tadpole motility as a marker of broader neurodevelopmental function) (Marquez_2020). Another study reported the variant to result in depletion of the N-cytoplasmic polytopic client (TMEM97) (Miller-Vedam_2020). Three ClinVar submitters (evaluation after 2014) cite the variant as pathogenic/likely pathogenic and two ClinVar submitters (evaluation after 2014) cite it as uncertain significance. Based on the evidence outlined above, the variant was classified as likely pathogenic.

Ambry Genetics
Classification: Likely pathogenic for Inborn genetic diseases. Last evaluated: 2016-03-03. Review status: criteria provided, single submitter. Criteria: Ambry exome assertion method (8-5-2015). Collection method: clinical testing. Allele origin: germline. Affected: yes. Observed: 1 variant allele.

Lifecell International Pvt. Ltd
Classification: Likely pathogenic for Cerebellar atrophy, visual impairment, and psychomotor retardation;. Review status: criteria provided, single submitter. Criteria: ACMG Guidelines, 2015. Collection method: clinical testing. Allele origin: germline. Inheritance: Autosomal recessive inheritance. Affected: yes. Observed: 1 compound heterozygote.
Comment: A Heterozygous Missense variant c.245C>T in Exon 3 of the EMC1 gene that results in the amino acid substitution p.Thr82Met was identified. The observed variant has a minor allele frequency of 0.00002% in gnomAD exomes. The severity of the impact of this variant on the protein is medium, based on the effect of the protein and REVEL score . Rare Exome Variant Ensemble Learner (REVEL) is an ensembl method for predicting the pathogenicity of missense variants based on a combination of scores from 13 individual tools: MutPred, FATHMM v2.3, VEST 3.0, PolyPhen-2, SIFT, PROVEAN, MutationAssessor, MutationTaster, LRT, GERP++, SiPhy, phyloP, and phastCons. The REVEL score for an individual missense variant can range from 0 to 1, with higher scores reflecting greater likelihood that the variant is disease-causing. ClinVar has also classified this variant as conflictingInterpretations of Pathogenicity(Variant ID 219100).This variant has been previously reported in Baker et al., 2019. Based on the above evidence this variant has been classified as Likely Pathogenic according to the ACMG guidelines.

OMIM
Classification: Pathogenic for CEREBELLAR ATROPHY, VISUAL IMPAIRMENT, AND PSYCHOMOTOR RETARDATION. Last evaluated: 2016-03-29. Review status: no assertion criteria provided. Collection method: literature only. Allele origin: germline. Not counted in ClinVar's aggregate classification.

Lupski Lab, Baylor-Hopkins CMG, Baylor College of Medicine
Classification: Uncertain significance. Review status: flagged submission. Criteria: Harel et al. (Am J Hum Genet. 2016). Collection method: research. Allele origin: germline. Inheritance: Autosomal recessive inheritance. Affected: yes. Observed: 3 homozygotes. Clinical features observed: Developmental delay, Speech delay, Scoliosis, Microcephaly, Truncal hypotonia, Dystonic posturing, Diminished deep tendon reflexes, Cerebellar atrophy. Not counted in ClinVar's aggregate classification.
ClinVar note: Reason: Older and outlier claim with insufficient supporting evidence

Literature cited by the submitters: PubMed 33236988 (cited by Variantyx, Inc. and Women's Health and Genetics/Laboratory Corporation of America, LabCorp); PubMed 30577886 (cited by 3 submitters); PubMed 34426522 (cited by Variantyx, Inc. and Women's Health and Genetics/Laboratory Corporation of America, LabCorp); PubMed 26942288 (cited by 4 submitters); PubMed 31904590 (cited by Women's Health and Genetics/Laboratory Corporation of America, LabCorp).